The following is an entry in ClinVar:

ClinVar aggregate classification (germline): Uncertain significance (1 of 4 stars; one submission).

Conditions:
Dilated cardiomyopathy 1JJ (CMD1JJ). Identifiers: Orphanet 154, MedGen C3808935, MONDO:0014095, OMIM 615235.

Submission:

Labcorp Genetics (formerly Invitae), Labcorp
Classification: Uncertain significance for Dilated cardiomyopathy 1JJ. Last evaluated: 2024-08-20. Review status: criteria provided, single submitter. Criteria: Invitae Variant Classification Sherloc (09022015). Collection method: clinical testing. Allele origin: germline.
Comment: This sequence change replaces tryptophan, which is neutral and slightly polar, with arginine, which is basic and polar, at codon 1546 of the LAMA4 protein (p.Trp1546Arg). This variant is present in population databases (no rsID available, gnomAD 0.006%). This variant has not been reported in the literature in individuals affected with LAMA4-related conditions. An algorithm developed to predict the effect of missense changes on protein structure and function (PolyPhen-2) suggests that this variant is likely to be disruptive. In summary, the available evidence is currently insufficient to determine the role of this variant in disease. Therefore, it has been classified as a Variant of Uncertain Significance.

NM_001105206.3(LAMA4):c.4657T>C (p.Trp1553Arg)

Gene: LAMA4 (laminin subunit alpha 4; minus strand). Cytogenetic location: 6q21.
Variant type: single nucleotide variant.
Coding change: c.4657T>C on transcript NM_001105206.3 (MANE Select); coding-DNA position 4657, T replaced by C.
Protein change: p.Trp1553Arg; replaces tryptophan 1553 with arginine.
Molecular consequence: missense variant.
Genome position (GRCh38, 1-based): chr6:112,120,291, A>G on the plus strand (T>C on the coding strand, the complement: LAMA4 is on the minus strand). VCF-style: chr6-112120291-A-G. GRCh37 (hg19) VCF-style: chr6-112441494-A-G.
Other names: c.4636T>C, p.Trp1546Arg (NM_001105207.3, NM_002290.5); short protein forms W1546R, W1553R.
Identifiers: ClinVar variation 3622210 (VCV003622210.2).